The following is an entry in ClinVar:

ClinVar aggregate classification (germline): Conflicting classifications of pathogenicity. Review status: criteria provided, conflicting classifications (1 of 4 stars). 3 submissions from 3 submitters: Uncertain significance (2); Likely benign (1). Last evaluated 2025-06-06.

Conditions:
Hereditary cancer-predisposing syndrome. Also called: Neoplastic Syndromes, Hereditary; Tumor predisposition; Hereditary Cancer Syndrome; Hereditary neoplastic syndrome. Identifiers: Orphanet 140162, MedGen C0027672, MeSH D009386, MONDO:0015356.
Hereditary breast ovarian cancer syndrome. Also called: Hereditary breast and ovarian cancer; Hereditary breast and/or ovarian cancer syndrome; BRCA1- and BRCA2-Associated Hereditary Breast and Ovarian Cancer; Hereditary breast and ovarian cancer syndrome (HBOC); Hereditary breast and ovarian cancer syndrome; Breast and ovarian cancer. Identifiers: Orphanet 145, MedGen C0677776, MeSH D061325, MONDO:0003582. Disease mechanism: loss of function.

Allele frequency attached by ClinVar (database versions not stated): gnomAD 0.00001.
gnomAD v4.1: 1 of 1,594,360 alleles (0.000063%); highest among the groups gnomAD compares: Admixed American, 0.0018%; no homozygotes.

Submissions (3):

Labcorp Genetics (formerly Invitae), Labcorp
Classification: Uncertain significance for Hereditary breast ovarian cancer syndrome. Last evaluated: 2025-06-06. Review status: criteria provided, single submitter. Criteria: Invitae Variant Classification Sherloc (09022015). Collection method: clinical testing. Allele origin: germline.
Comment: This sequence change replaces serine, which is neutral and polar, with proline, which is neutral and non-polar, at codon 504 of the BRCA2 protein (p.Ser504Pro). This variant is present in population databases (rs786203006, gnomAD 0.1%). This variant has not been reported in the literature in individuals affected with BRCA2-related conditions. ClinVar contains an entry for this variant (Variation ID: 186512). Invitae Evidence Modeling of protein sequence and biophysical properties (such as structural, functional, and spatial information, amino acid conservation, physicochemical variation, residue mobility, and thermodynamic stability) indicates that this missense variant is not expected to disrupt BRCA2 protein function with a negative predictive value of 95%. In summary, the available evidence is currently insufficient to determine the role of this variant in disease. Therefore, it has been classified as a Variant of Uncertain Significance.

University of Washington Department of Laboratory Medicine, University of Washington
Classification: Likely benign for Hereditary cancer-predisposing syndrome. Last evaluated: 2023-03-23. Review status: criteria provided, single submitter. Criteria: Dines et al. (Genet Med. 2020). Collection method: curation. Allele origin: germline.
Comment: Missense variant in a coldspot region where missense variants are very unlikely to be pathogenic (PMID:31911673).

BRCA2 exon 10 coldspot. Reclassification based on statistical prior probability.

Ambry Genetics
Classification: Uncertain significance for Hereditary cancer-predisposing syndrome. Last evaluated: 2014-10-10. Review status: criteria provided, single submitter. Criteria: Ambry Variant Classification Scheme 2023. Collection method: clinical testing. Allele origin: germline.
Comment: The p.S504P variant (also known as c.1510T>C or 1738T>C), located in coding exon 9 of the BRCA2 gene, results from a T to C substitution at nucleotide position 1510. The serine at codon 504 is replaced by proline, an amino acid with similar properties. This variant was not reported in population based cohorts in the following databases: Database of Single Nucleotide Polymorphisms (dbSNP), NHLBI Exome Sequencing Project (ESP), and 1000 Genomes Project. In the ESP, this variant was not observed in 6499 samples (12998 alleles) with coverage at this position. To date, this alteration has been detected with an allele frequency of approximately 0.002% (greater than 64000 alleles tested) in our clinical cohort. This amino acid position is not well conserved in available vertebrate species. In addition, this alteration is predicted to be tolerated by in silico analysis. Since supporting evidence is limited at this time, the clinical significance of p.S504P remains unclear.

NM_000059.4(BRCA2):c.1510T>C (p.Ser504Pro)

Gene: BRCA2 (BRCA2 DNA repair associated; plus strand). Cytogenetic location: 13q13.1.
Variant type: single nucleotide variant.
Coding change: c.1510T>C on transcript NM_000059.4 (MANE Select); coding-DNA position 1510, T replaced by C.
Protein change: p.Ser504Pro; replaces serine 504 with proline.
Molecular consequence: missense variant.
Genome position (GRCh38, 1-based): chr13:32,332,988, T>C. VCF-style: chr13-32332988-T-C. GRCh37 (hg19) VCF-style: chr13-32907125-T-C.
Other names: short protein forms S504P.
Identifiers: ClinVar variation 186512 (VCV000186512.11), dbSNP rs786203006, ClinGen allele CA012264.